The following is an entry in ClinVar:

ClinVar aggregate classification (germline): Uncertain significance (1 of 4 stars; one submission).

Submission:

Labcorp Genetics (formerly Invitae), Labcorp
Classification: Uncertain significance. Last evaluated: 2024-11-04. Review status: criteria provided, single submitter. Criteria: Invitae Variant Classification Sherloc (09022015). Collection method: clinical testing. Allele origin: germline.
Comment: This sequence change replaces phenylalanine, which is neutral and non-polar, with isoleucine, which is neutral and non-polar, at codon 186 of the CLCN7 protein (p.Phe186Ile). This variant is not present in population databases (gnomAD no frequency). This variant has not been reported in the literature in individuals affected with CLCN7-related conditions. ClinVar contains an entry for this variant (Variation ID: 2119525). An algorithm developed to predict the effect of missense changes on protein structure and function (PolyPhen-2) suggests that this variant is likely to be tolerated. In summary, the available evidence is currently insufficient to determine the role of this variant in disease. Therefore, it has been classified as a Variant of Uncertain Significance.

NM_001287.6(CLCN7):c.556T>A (p.Phe186Ile)

Gene: CLCN7 (chloride voltage-gated channel 7; minus strand). Cytogenetic location: 16p13.3.
Variant type: single nucleotide variant.
Coding change: c.556T>A on transcript NM_001287.6 (MANE Select); coding-DNA position 556, T replaced by A.
Protein change: p.Phe186Ile; replaces phenylalanine 186 with isoleucine.
Molecular consequence: missense variant.
Genome position (GRCh38, 1-based): chr16:1,460,456, A>T on the plus strand (T>A on the coding strand, the complement: CLCN7 is on the minus strand). VCF-style: chr16-1460456-A-T. GRCh37 (hg19) VCF-style: chr16-1510457-A-T.
Other names: c.484T>A, p.Phe162Ile (NM_001114331.3); short protein forms F162I, F186I.
Identifiers: ClinVar variation 2119525 (VCV002119525.4), dbSNP rs2505843988, ClinGen allele CA394192117.